The following is an entry in ClinVar:

ClinVar aggregate classification (germline): Uncertain significance (1 of 4 stars; one submission).

Conditions:
Mitochondrial hypertrophic cardiomyopathy with lactic acidosis due to MTO1 deficiency. Also called: Combined oxidative phosphorylation deficiency 10; CARDIOMYOPATHY, INFANTILE HYPERTROPHIC MITOCHONDRIAL, AND LACTIC ACIDOSIS. Identifiers: Orphanet 314637, MedGen C4749921, MONDO:0013865, OMIM 614702.

gnomAD v4.1: 17 of 1,613,824 alleles (0.0011%); highest among the groups gnomAD compares: African/African-American, 0.0013%; no homozygotes.

Submission:

Labcorp Genetics (formerly Invitae), Labcorp
Classification: Uncertain significance for Mitochondrial hypertrophic cardiomyopathy with lactic acidosis due to MTO1 deficiency. Last evaluated: 2021-08-13. Review status: criteria provided, single submitter. Criteria: Invitae Variant Classification Sherloc (09022015). Collection method: clinical testing. Allele origin: germline.
Comment: This sequence change replaces arginine with leucine at codon 328 of the MTO1 protein (p.Arg328Leu). The arginine residue is moderately conserved and there is a moderate physicochemical difference between arginine and leucine. This variant is present in population databases (rs142148270, ExAC 0.001%). This variant has not been reported in the literature in individuals affected with MTO1-related conditions. Algorithms developed to predict the effect of missense changes on protein structure and function are either unavailable or do not agree on the potential impact of this missense change (SIFT: "Tolerated"; PolyPhen-2: "Possibly Damaging"; Align-GVGD: "Class C0"). In summary, the available evidence is currently insufficient to determine the role of this variant in disease. Therefore, it has been classified as a Variant of Uncertain Significance.

NM_012123.4(MTO1):c.983G>T (p.Arg328Leu)

Gene: MTO1 (mitochondrial tRNA translation optimization 1; plus strand). Cytogenetic location: 6q13.
Variant type: single nucleotide variant.
Coding change: c.983G>T on transcript NM_012123.4 (MANE Select); coding-DNA position 983, G replaced by T.
Protein change: p.Arg328Leu; replaces arginine 328 with leucine.
Molecular consequence: missense variant.
Genome position (GRCh38, 1-based): chr6:73,479,980, G>T. VCF-style: chr6-73479980-G-T. GRCh37 (hg19) VCF-style: chr6-74189703-G-T.
Other names: c.983G>T, p.Arg328Leu (NM_001123226.2, NM_133645.3); short protein forms R328L.
Identifiers: ClinVar variation 1374331 (VCV001374331.5), dbSNP rs142148270, ClinGen allele CA3889495.